The following is an entry in ClinVar:

NM_024809.5(TCTN2):c.1440T>C (p.Phe480=)

Gene: TCTN2 (tectonic family member 2; plus strand). Cytogenetic location: 12q24.31.
Variant type: single nucleotide variant.
Coding change: c.1440T>C on transcript NM_024809.5 (MANE Select); coding-DNA position 1440, T replaced by C.
Protein change: p.Phe480=; no amino-acid change (phenylalanine 480 retained).
Molecular consequence: synonymous variant.
Genome position (GRCh38, 1-based): chr12:123,697,133, T>C. VCF-style: chr12-123697133-T-C. GRCh37 (hg19) VCF-style: chr12-124181680-T-C.
Other names: c.1437T>C, p.Phe479= (NM_001143850.3).
Identifiers: ClinVar variation 695825 (VCV000695825.33), dbSNP rs760942775, ClinGen allele CA6861219.
Genomic context (GRCh38, chr12:123,697,133, plus strand): 5'-TTTTTCTTTTATAGCTGGAAGGGGTCTGTGTACATCAGCAACTTTCAAACCCATTTTATT[T>C]GGAGAAAATGTACTCTCTGGATGCCTGTTAGAAGTCGGGATTAATGAAAATTGTACTCAG-3'
Protein context (NP_079085.2, residues 470-490): CTSATFKPIL[Phe480=]GENVLSGCLL

ClinVar aggregate classification (germline): Likely benign. Review status: criteria provided, multiple submitters, no conflicts (2 of 4 stars). 3 submissions from 3 submitters: Likely benign (3). Last evaluated 2026-03-01.

Conditions:
Meckel-Gruber syndrome. Also called: Dysencephalia splachnocystica; GRUBER SYNDROME; DYSENCEPHALIA SPLANCHNOCYSTICA. Identifiers: Orphanet 564, MedGen C0265215, MONDO:0018921.
Joubert syndrome. Also called: Familial aplasia of the vermis; JOUBERT-BOLTSHAUSER SYNDROME. Identifiers: Orphanet 475, MedGen C5979921, MONDO:0018772.

Allele frequency attached by ClinVar (database versions not stated): ExAC 0.00002; TOPMed 0.00002; gnomAD 0.00003; gnomAD exomes 0.00003.
gnomAD v4.1: 59 of 1,614,012 alleles (0.0037%); highest among the groups gnomAD compares: Non-Finnish European, 0.0047%; no homozygotes.

Submissions (3):

CeGaT Center for Human Genetics Tuebingen
Classification: Likely benign. Last evaluated: 2026-03-01. Review status: criteria provided, single submitter. Criteria: CeGaT Center For Human Genetics Tuebingen Variant Classification Criteria Version 2. Collection method: clinical testing. Allele origin: germline. Affected: yes. Observed: 2 variant alleles.
Comment: TCTN2: BP4, BS2

Labcorp Genetics (formerly Invitae), Labcorp
Classification: Likely benign for Joubert syndrome; Meckel-Gruber syndrome. Last evaluated: 2025-12-31. Review status: criteria provided, single submitter. Criteria: Invitae Variant Classification Sherloc (09022015). Collection method: clinical testing. Allele origin: germline.

Blueprint Genetics
Classification: Likely benign. Last evaluated: 2024-02-28. Review status: criteria provided, single submitter. Criteria: ACMG Guidelines, 2015. Collection method: clinical testing. Allele origin: germline.